The following is an entry in ClinVar:

ClinVar aggregate classification (germline): Conflicting classifications of pathogenicity. Review status: criteria provided, conflicting classifications (1 of 4 stars). 6 submissions from 6 submitters: Uncertain significance (4); Likely benign (2). Last evaluated 2025-01-21.

Conditions:
Joubert syndrome 25 (JBTS25). Identifiers: Orphanet 475, MedGen C4084842, MONDO:0014770, OMIM 616781.
Inborn genetic diseases. Identifiers: MedGen C0950123, MeSH D030342.

Allele frequency attached by ClinVar (database versions not stated): ExAC 0.00031; ESP Exome Variant Server 0.00031; gnomAD exomes 0.00041 and 0.00054; gnomAD 0.00042 and 0.00044; 1000 Genomes Project 30x 0.00047; 1000 Genomes Project 0.00060; TOPMed 0.00065.
gnomAD v4.1: 685 of 1,552,854 alleles (0.044%); highest among the groups gnomAD compares: Middle Eastern, 0.22%; 3 homozygotes.

Submissions (6):

Mayo Clinic Laboratories, Mayo Clinic
Classification: Likely benign. Last evaluated: 2025-01-21. Review status: criteria provided, single submitter. Criteria: ACMG Guidelines, 2015. Collection method: clinical testing. Allele origin: germline. Observed: 1 variant allele.
Comment: BS1, BP4_moderate

Blueprint Genetics
Classification: Likely benign. Last evaluated: 2024-09-23. Review status: criteria provided, single submitter. Criteria: ACMG Guidelines, 2015. Collection method: clinical testing. Allele origin: germline.

Labcorp Genetics (formerly Invitae), Labcorp
Classification: Uncertain significance for Joubert syndrome 25. Last evaluated: 2022-07-25. Review status: criteria provided, single submitter. Criteria: Invitae Variant Classification Sherloc (09022015). Collection method: clinical testing. Allele origin: germline.
Comment: This sequence change replaces alanine, which is neutral and non-polar, with serine, which is neutral and polar, at codon 882 of the CEP104 protein (p.Ala882Ser). This variant is present in population databases (rs185664269, gnomAD 0.1%), and has an allele count higher than expected for a pathogenic variant. This variant has not been reported in the literature in individuals affected with CEP104-related conditions. ClinVar contains an entry for this variant (Variation ID: 475462). Algorithms developed to predict the effect of missense changes on protein structure and function (SIFT, PolyPhen-2, Align-GVGD) all suggest that this variant is likely to be tolerated. In summary, the available evidence is currently insufficient to determine the role of this variant in disease. Therefore, it has been classified as a Variant of Uncertain Significance.

Ambry Genetics
Classification: Uncertain significance for Inborn genetic diseases. Last evaluated: 2022-02-16. Review status: criteria provided, single submitter. Criteria: Ambry Variant Classification Scheme 2023. Collection method: clinical testing. Allele origin: germline.

Fulgent Genetics
Classification: Uncertain significance for Joubert syndrome 25. Last evaluated: 2018-10-31. Review status: criteria provided, single submitter. Criteria: ACMG Guidelines, 2015. Collection method: clinical testing. Allele origin: unknown.

Breakthrough Genomics
Classification: Uncertain significance. Review status: criteria provided, single submitter. Criteria: ACMG Guidelines, 2015. Collection method: not provided. Allele origin: germline. Inheritance: Autosomal recessive inheritance. Affected: yes.

NM_014704.4(CEP104):c.2644G>T (p.Ala882Ser)

Gene: CEP104 (centrosomal protein 104; minus strand). Cytogenetic location: 1p36.32.
Variant type: single nucleotide variant.
Coding change: c.2644G>T on transcript NM_014704.4 (MANE Select); coding-DNA position 2644, G replaced by T.
Protein change: p.Ala882Ser; replaces alanine 882 with serine.
Molecular consequence: missense variant.
Genome position (GRCh38, 1-based): chr1:3,816,298, C>A on the plus strand (G>T on the coding strand, the complement: CEP104 is on the minus strand). VCF-style: chr1-3816298-C-A. GRCh37 (hg19) VCF-style: chr1-3732862-C-A.
Other names: p.Ala882Ser; short protein forms A882S.
Identifiers: ClinVar variation 475462 (VCV000475462.11), dbSNP rs185664269, ClinGen allele CA551219.